The following is an entry in ClinVar:

ClinVar aggregate classification (germline): Uncertain significance (1 of 4 stars; one submission).

Conditions:
Progressive sclerosing poliodystrophy (MTDPS4A). Also called: ALPERS PROGRESSIVE INFANTILE POLIODYSTROPHY; NEURONAL DEGENERATION OF CHILDHOOD WITH LIVER DISEASE, PROGRESSIVE; Alpers Syndrome; ALPERS DIFFUSE DEGENERATION OF CEREBRAL GRAY MATTER WITH HEPATIC CIRRHOSIS; Alpers-Huttenlocher Syndrome; Mitochondrial DNA Depletion Syndrome 4A. Identifiers: Orphanet 726, MedGen C0205710, MONDO:0008758, OMIM 203700.

Submission:

Labcorp Genetics (formerly Invitae), Labcorp
Classification: Uncertain significance for Progressive sclerosing poliodystrophy. Last evaluated: 2023-02-01. Review status: criteria provided, single submitter. Criteria: Invitae Variant Classification Sherloc (09022015). Collection method: clinical testing. Allele origin: germline.
Comment: This variant is not present in population databases (gnomAD no frequency). This sequence change replaces lysine, which is basic and polar, with glutamine, which is neutral and polar, at codon 806 of the POLG protein (p.Lys806Gln). This variant has not been reported in the literature in individuals affected with POLG-related conditions. Advanced modeling of protein sequence and biophysical properties (such as structural, functional, and spatial information, amino acid conservation, physicochemical variation, residue mobility, and thermodynamic stability) performed at Invitae indicates that this missense variant is expected to disrupt POLG protein function. In summary, the available evidence is currently insufficient to determine the role of this variant in disease. Therefore, it has been classified as a Variant of Uncertain Significance.

NM_002693.3(POLG):c.2416A>C (p.Lys806Gln)

Gene: POLG (DNA polymerase gamma, catalytic subunit; minus strand). Cytogenetic location: 15q26.1.
Variant type: single nucleotide variant.
Coding change: c.2416A>C on transcript NM_002693.3 (MANE Select); coding-DNA position 2416, A replaced by C.
Protein change: p.Lys806Gln; replaces lysine 806 with glutamine.
Molecular consequence: missense variant.
Genome position (GRCh38, 1-based): chr15:89,322,752, T>G on the plus strand (A>C on the coding strand, the complement: POLG is on the minus strand). VCF-style: chr15-89322752-T-G. GRCh37 (hg19) VCF-style: chr15-89865983-T-G.
Other names: c.2416A>C, p.Lys806Gln (NM_001126131.2); short protein forms K806Q.
Identifiers: ClinVar variation 2832541 (VCV002832541.3), dbSNP rs2509226522, ClinGen allele CA393756208.